The following is an entry in ClinVar:

NM_000153.4(GALC):c.75C>A (p.Gly25=)

Gene: GALC (galactosylceramidase; minus strand). Cytogenetic location: 14q31.3.
Variant type: single nucleotide variant.
Coding change: c.75C>A on transcript NM_000153.4 (MANE Select); coding-DNA position 75, C replaced by A.
Protein change: p.Gly25=; no amino-acid change (glycine 25 retained).
Molecular consequence: synonymous variant. On other transcripts: intron variant (1).
Genome position (GRCh38, 1-based): chr14:87,993,090, G>T on the plus strand (C>A on the coding strand, the complement: GALC is on the minus strand). VCF-style: chr14-87993090-G-T. GRCh37 (hg19) VCF-style: chr14-88459434-G-T.
Other names: c.75C>A, p.Gly25= (NM_001201401.2); c.117+293C>A (NM_001201402.2).
Identifiers: ClinVar variation 92510 (VCV000092510.28), dbSNP rs111976362, ClinGen allele CA145823.

ClinVar aggregate classification (germline): Benign. Review status: criteria provided, multiple submitters, no conflicts (2 of 4 stars). 12 submissions from 12 submitters: Benign (8). 4 of the submissions do not count toward it. Last evaluated 2026-02-04.

Conditions:
Galactosylceramide beta-galactosidase deficiency. Also called: GALACTOCEREBROSIDASE DEFICIENCY; GALC DEFICIENCY; Leukodystrophy, Globoid Cell; Krabbe Disease; GLOBOID CELL LEUKOENCEPHALOPATHY. Identifiers: Orphanet 487, MedGen C0023521, MONDO:0009499, OMIM 245200.

Allele frequency attached by ClinVar (database versions not stated): 1000 Genomes Project 0.07847; 1000 Genomes Project 30x 0.08104; ESP Exome Variant Server 0.09286; TOPMed 0.10549; gnomAD exomes 0.11118; gnomAD 0.11172 and 0.11287; ExAC 0.14274.
gnomAD v4.1: 219,110 of 1,576,980 alleles (14%); highest among the groups gnomAD compares: Middle Eastern, 17%; 16,523 homozygotes.

Submissions (12):

Labcorp Genetics (formerly Invitae), Labcorp
Classification: Benign for Galactosylceramide beta-galactosidase deficiency. Last evaluated: 2026-02-04. Review status: criteria provided, single submitter. Criteria: Invitae Variant Classification Sherloc (09022015). Collection method: clinical testing. Allele origin: germline.

Blueprint Genetics
Classification: Benign. Last evaluated: 2024-11-27. Review status: criteria provided, single submitter. Criteria: ACMG Guidelines, 2015. Collection method: clinical testing. Allele origin: germline.

Genome-Nilou Lab
Classification: Benign for Galactosylceramide beta-galactosidase deficiency. Last evaluated: 2021-07-01. Review status: criteria provided, single submitter. Criteria: ACMG Guidelines, 2015. Collection method: clinical testing. Allele origin: germline. Affected: no.

Illumina Laboratory Services, Illumina
Classification: Benign for Galactosylceramide beta-galactosidase deficiency. Last evaluated: 2018-01-12. Review status: criteria provided, single submitter. Criteria: ICSL Variant Classification Criteria 13 December 2019. Collection method: clinical testing. Allele origin: germline.
Comment: This variant was observed in the ICSL laboratory as part of a predisposition screen in an ostensibly healthy population. It had not been previously curated by ICSL or reported in the Human Gene Mutation Database (HGMD: prior to June 1st, 2018), and was therefore a candidate for classification through an automated scoring system. Utilizing variant allele frequency, disease prevalence and penetrance estimates, and inheritance mode, an automated score was calculated to assess if this variant is too frequent to cause the disease. Based on the score and internal cut-off values, a variant classified as benign is not then subjected to further curation. The score for this variant resulted in a classification of benign for this disease.

GeneDx
Classification: Benign. Last evaluated: 2015-03-03. Review status: criteria provided, single submitter. Criteria: GeneDx Variant Classification Process June 2021. Collection method: clinical testing. Allele origin: germline. Affected: yes.

Eurofins Ntd Llc (ga)
Classification: Benign. Last evaluated: 2013-01-03. Review status: criteria provided, single submitter. Criteria: EGL Classification Definitions 2015. Collection method: clinical testing. Allele origin: germline. Observed: 29 variant alleles, 27 heterozygotes, 2 homozygotes.

Breakthrough Genomics
Classification: Benign. Review status: criteria provided, single submitter. Criteria: ACMG Guidelines, 2015. Collection method: not provided. Allele origin: germline. Inheritance: Autosomal recessive inheritance. Affected: yes.

PreventionGenetics, part of Exact Sciences
Classification: Benign. Review status: criteria provided, single submitter. Criteria: ACMG Guidelines, 2015. Collection method: clinical testing. Allele origin: germline.

Natera, Inc.
Classification: Benign for Galactosylceramide beta-galactosidase deficiency. Last evaluated: 2019-11-21. Review status: no assertion criteria provided. Collection method: clinical testing. Allele origin: germline. Not counted in ClinVar's aggregate classification.

Mayo Clinic Laboratories, Mayo Clinic
Classification: Benign. Last evaluated: 2015-10-26. Review status: no assertion criteria provided. Collection method: clinical testing. Allele origin: unknown. Not counted in ClinVar's aggregate classification.

Clinical Genetics DNA and cytogenetics Diagnostics Lab, Erasmus MC, Erasmus Medical Center
Classification: Benign. Review status: no assertion criteria provided. Collection method: clinical testing. Allele origin: germline. Affected: yes. Study: VKGL Data-share Consensus. Not counted in ClinVar's aggregate classification.

Clinical Genetics, Academic Medical Center
Classification: Benign. Review status: no assertion criteria provided. Collection method: clinical testing. Allele origin: germline. Affected: yes. Study: VKGL Data-share Consensus. Not counted in ClinVar's aggregate classification.